The following is an entry in ClinVar:

NM_017780.4(CHD7):c.6192C>G (p.Ile2064Met)

Gene: CHD7 (chromodomain helicase DNA binding protein 7; plus strand). Cytogenetic location: 8q12.2.
Variant type: single nucleotide variant.
Coding change: c.6192C>G on transcript NM_017780.4 (MANE Select); coding-DNA position 6192, C replaced by G.
Protein change: p.Ile2064Met; replaces isoleucine 2064 with methionine.
Molecular consequence: missense variant. On other transcripts: intron variant (1).
Genome position (GRCh38, 1-based): chr8:60,852,917, C>G. VCF-style: chr8-60852917-C-G. GRCh37 (hg19) VCF-style: chr8-61765476-C-G.
Other names: c.1717-9312C>G (NM_001316690.1); short protein forms I2064M.
Identifiers: ClinVar variation 860855 (VCV000860855.11), dbSNP rs1349507815, ClinGen allele CA371324410.

ClinVar aggregate classification (germline): Uncertain significance. Review status: criteria provided, multiple submitters, no conflicts (2 of 4 stars). 2 submissions from 2 submitters: Uncertain significance (2). Last evaluated 2025-11-19.

Conditions:
Hypogonadotropic hypogonadism 5 with or without anosmia (KAL5). Also called: HYPOGONADOTROPIC HYPOGONADISM 5 WITH ANOSMIA; HYPOGONADOTROPHIC HYPOGONADISM 5 WITHOUT ANOSMIA; CHD7-Related GnRH Deficiency (Kallmann Syndrome 5). Identifiers: Orphanet 478, MedGen C3552553, MONDO:0012880, OMIM 612370. Disease mechanism: loss of function.
CHARGE syndrome (CHARGE). Also called: CHARGE ASSOCIATION--COLOBOMA, HEART ANOMALY, CHOANAL ATRESIA, RETARDATION, GENITAL AND EAR ANOMALIES; Coloboma, heart anomaly, choanal atresia, retardation, genital and ear anomalies; CHARGE association; Hall-Hittner syndrome; Hittner Hirsch Kreh syndrome. Identifiers: Orphanet 138, MedGen C0265354, MONDO:0008965.

Allele frequency attached by ClinVar (database versions not stated): gnomAD exomes below 0.00001; gnomAD 0.00002.
gnomAD v4.1: 7 of 1,613,898 alleles (0.00043%); highest among the groups gnomAD compares: Non-Finnish European, 0.00059%; no homozygotes.

Submissions (2):

Labcorp Genetics (formerly Invitae), Labcorp
Classification: Uncertain significance for CHARGE syndrome. Last evaluated: 2025-11-19. Review status: criteria provided, single submitter. Criteria: Invitae Variant Classification Sherloc (09022015). Collection method: clinical testing. Allele origin: germline.
Comment: This sequence change replaces isoleucine, which is neutral and non-polar, with methionine, which is neutral and non-polar, at codon 2064 of the CHD7 protein (p.Ile2064Met). This variant is present in population databases (no rsID available, gnomAD 0.0009%). This variant has not been reported in the literature in individuals affected with CHD7-related conditions. ClinVar contains an entry for this variant (Variation ID: 860855). Invitae Evidence Modeling of protein sequence and biophysical properties (such as structural, functional, and spatial information, amino acid conservation, physicochemical variation, residue mobility, and thermodynamic stability) has been performed for this missense variant. However, the output from this modeling did not meet the statistical confidence thresholds required to predict the impact of this variant on CHD7 protein function. In summary, the available evidence is currently insufficient to determine the role of this variant in disease. Therefore, it has been classified as a Variant of Uncertain Significance.

Fulgent Genetics
Classification: Uncertain significance for CHD7-related CHARGE syndrome; Hypogonadotropic hypogonadism 5 with or without anosmia. Last evaluated: 2022-04-15. Review status: criteria provided, single submitter. Criteria: ACMG Guidelines, 2015. Collection method: clinical testing. Allele origin: unknown.